The following is an entry in ClinVar:

ClinVar aggregate classification (germline): Benign (1 of 4 stars; one submission).

Allele frequency attached by ClinVar (database versions not stated): gnomAD 0.03621 and 0.03647; TOPMed 0.03894; 1000 Genomes Project 30x 0.04388; 1000 Genomes Project 0.04533.
gnomAD v4.1: 5,480 of 152,310 alleles (3.6%); highest among the groups gnomAD compares: African/African-American, 9.2%; 210 homozygotes.

Submission:

GeneDx
Classification: Benign. Last evaluated: 2018-06-18. Review status: criteria provided, single submitter. Criteria: GeneDx Variant Classification (06012015). Collection method: clinical testing. Allele origin: germline. Affected: yes.
Comment: This variant is considered likely benign or benign based on one or more of the following criteria: it is a conservative change, it occurs at a poorly conserved position in the protein, it is predicted to be benign by multiple in silico algorithms, and/or has population frequency not consistent with disease.

NM_001354604.2(MITF):c.355-194A>C

Gene: MITF (melanocyte inducing transcription factor; plus strand). Cytogenetic location: 3p13.
Variant type: single nucleotide variant.
Coding change: c.355-194A>C on transcript NM_001354604.2 (MANE Select); 194 bases into the intron before coding-DNA position 355, A replaced by C.
Molecular consequence: intron variant.
Genome position (GRCh38, 1-based): chr3:69,937,628, A>C. VCF-style: chr3-69937628-A-C. GRCh37 (hg19) VCF-style: chr3-69986779-A-C.
Other names: c.304-194A>C (NM_001354607.2); c.199-194A>C (NM_001354608.2, NM_001184967.2); c.355-194A>C (NM_198159.3); c.352-194A>C (NM_001354605.2, NM_001354606.2, NM_006722.3); c.307-194A>C (NM_198177.3); c.34-194A>C (NM_000248.4, NM_198158.3, NM_198178.3 and 1 more transcripts).
Identifiers: ClinVar variation 677773 (VCV000677773.1), dbSNP rs74677075, ClinGen allele CA77000543.
Genomic context (GRCh38, chr3:69,937,628, plus strand): 5'-CAAGGTTTGAAAGAGACGTATAGTTAATTAGCAGGGAAATAAAATAGGGCAAAGTATTAC[A>C]CCAAATCCTACTAGTTAGACTTTAAACTTCAGTAATATCAAAATCCGTTAGCACAGTGCC-3'